The following continues an entry in ClinVar:

NM_000059.4(BRCA2):c.5722_5723del (p.Leu1908fs)

Gene: BRCA2. ClinVar aggregate classification (germline): Pathogenic. Pathogenic (1).

Submissions 9 to 21 of 50:

Variantyx, Inc.
Classification: Pathogenic for Breast-ovarian cancer, familial, susceptibility to, 2. Last evaluated: 2025-07-01. Review status: criteria provided, single submitter. Criteria: Variantyx Assertion Criteria 2022. Collection method: clinical testing. Allele origin: germline. Inheritance: Autosomal dominant inheritance. Affected: yes. Not counted in ClinVar's aggregate classification.
Comment: This is a frameshift variant in the BRCA2 gene (OMIM: 600185). Pathogenic variants in this gene have been associated with autosomal dominant susceptibility to familial breast-ovarian cancer 2. This variant introduces a premature termination codon in exon 11 out of 27 and is expected to result in loss of function, which is a known disease mechanism for BRCA2 in this disorder (PMID: 20104584) (PVS1). It has been reported in at least four unrelated affected individuals (PMID: 23028338, 27553291, 19353265, 20683152) (PS4_Moderate) and it has been observed to segregate with disease in at least one individual from one family (PMID: 23028338) (PP1). This variant has a 0.0050% maximum allele frequency in non-founder control populations (PM2). Based on the current evidence, this variant is classified as pathogenic for autosomal dominant susceptibility to familial breast-ovarian cancer 2.

Victorian Clinical Genetics Services, Murdoch Childrens Research Institute
Classification: Pathogenic for BRCA2-related cancer predisposition. Last evaluated: 2025-05-19. Review status: criteria provided, single submitter. Criteria: ACMG Guidelines, 2015. Collection method: clinical testing. Allele origin: germline. Not counted in ClinVar's aggregate classification.
Comment: This variant is classified as Pathogenic. Evidence in support of pathogenic classification: Variant is predicted to cause nonsense-mediated decay (NMD) and loss of protein (premature termination codon is located at least 54 nucleotides upstream of the final exon-exon junction); Variant is present in gnomAD <0.01 (v4: 22 heterozygote(s), 0 homozygote(s)); This variant has strong previous evidence of pathogenicity in unrelated individuals. This variant is classified as pathogenic for susceptibility to familial breast-ovarian cancer 2 by the ENIGMA Variant Curation Expert Panel in ClinVar; Other NMD-predicted variant(s) comparable to the one identified in this case have very strong previous evidence for pathogenicity (DECIPHER). Additional information: This variant is heterozygous; This gene is associated with both recessive and dominant disease. Predisposition to cancer follows an autosomal dominant inheritance pattern, while Fanconi anaemia (MIM#605724) is associated with autosomal recessive inheritance (OMIM, PMID: 14559878); Loss of function is a known mechanism of disease in this gene and is associated with Fanconi anaemia, complementation group D1 (MIM#605724) and predisposition to breast, ovarian, and other cancers (MIM#612555, MIM#114480, MIM#613029, MIM#155255, MIM#613347, MIM#176807, MIM#194070); The condition associated with this gene has incomplete penetrance. Incomplete penetrance for the cancer phenotypes caused by this gene is well reported (PMIDs: 15994883, 20301425).

GeneKor MSA
Classification: Pathogenic for Hereditary breast ovarian cancer syndrome. Last evaluated: 2025-05-15. Review status: criteria provided, single submitter. Criteria: ACMG Guidelines, 2015. Collection method: clinical testing. Allele origin: germline. Affected: yes. Not counted in ClinVar's aggregate classification.
Comment: This variant is a deletion of 2 nucleotides in exon 11 of the BRCA2 mRNA c.(5722_5723delCT), causing a frameshift after codon 1908 and the creation of a premature translation stop signal 2 amino acid residues later p.(Leu1908Argfs*2). This is expected to result in an absent or disrupted protein product. Truncating variants in the BRCA2 gene are known to be pathogenic (PMID:20104584). This variant is present in population databases (rs80359520). This sequence change is also known as 5803delATTA, 5804del4, and 5574_5577delAATT and has been reported in individuals affected with breast and/or ovarian cancer (PMID:23633455, 8705994, 22160602, 22217648). ClinVar contains entries for this variant where is listed as pathogenic (VCV000037975.94). Based on the classification criteria set by the ACMG and AMP (PMID:25741868), this variant has been classified as pathogenic.

Molecular Pathology, Peter Maccallum Cancer Centre
Classification: Pathogenic for Breast-ovarian cancer, familial, susceptibility to, 2. Last evaluated: 2025-02-28. Review status: criteria provided, single submitter. Criteria: ACMG Guidelines, 2015. Collection method: clinical testing. Allele origin: germline. Inheritance: Autosomal dominant inheritance. Not counted in ClinVar's aggregate classification.

Revvity Omics, Revvity
Classification: Pathogenic. Last evaluated: 2025-01-31. Review status: criteria provided, single submitter. Criteria: ACMG Guidelines, 2015. Collection method: clinical testing. Allele origin: germline. Not counted in ClinVar's aggregate classification.

All of Us Research Program, National Institutes of Health
Classification: Pathogenic for BRCA2-related cancer predisposition. Last evaluated: 2024-09-27. Review status: criteria provided, single submitter. Criteria: ACMG Guidelines, 2015. Collection method: clinical testing. Allele origin: germline. Inheritance: Autosomal dominant inheritance. Observed: 13 variant alleles, 13 heterozygotes. Not counted in ClinVar's aggregate classification.
Comment: This variant deletes 2 nucleotides in exon 11 of the BRCA2 gene, creating a frameshift and premature translation stop signal. This variant is also known as 5950delCT, 5946delCT and 5950-5951delCT in the literature. This variant is expected to result in an absent or non-functional protein product. This variant has been reported in at least 12 individuals affected with breast and/or ovarian cancer (PMID: 8665505, 14647210, 19353265, 20683152, 21324516, 24010542, 25136594, 26026974, 27553291, 28724667, 29470806, 30287823, 33471991; Leiden Open Variation Database DB-ID BRCA2_001607) and five individuals affected with pancreatic cancer (PMID: 24963353, 25940717) or prostate cancer (PMID: 20736950, 31214711). This variant also has been reported in families suspected of being affected with hereditary breast and ovarian cancer (PMID: 8524414, 11802209, 15340362, 16234499, 25863477). This variant has been identified in 1/250888 chromosomes in the general population by the Genome Aggregation Database (gnomAD). Loss of BRCA2 function is a known mechanism of disease. Based on the available evidence, this variant is classified as Pathogenic.

This study involves interpretation of variants in research participants for the purpose of population health screening. Participant phenotype was not available at the time of variant classification. Additional details can be found in publication PMID: 35346344, PMCID: PMC8962531

Blueprint Genetics
Classification: Pathogenic for BRCA2-related disorders. Last evaluated: 2024-08-21. Review status: criteria provided, single submitter. Criteria: ACMG Guidelines, 2015. Collection method: clinical testing. Allele origin: germline. Affected: yes. Observed: 5 variant alleles. Not counted in ClinVar's aggregate classification.

Molecular Genetics and NGS Laboratory, Hospital Fundacion Valle Del Lili
Classification: Pathogenic for Breast-ovarian cancer, familial, susceptibility to, 2. Last evaluated: 2024-08-14. Review status: criteria provided, single submitter. Criteria: ACMG Guidelines, 2015. Collection method: clinical testing. Allele origin: germline. Affected: yes. Observed: 1 variant allele. Not counted in ClinVar's aggregate classification.
Comment: Null variant (frame-shift) in gene BRCA2, predicted to cause NMD. Loss-of-function is a known mechanism of disease. The exon affects 1 functional domain: UniProt protein BRCA2_HUMAN region of interest 'Interaction with RAD51'.The truncated region contains 2 405 pathogenic variants (PVS1). Combined evidence strength is Very Strong (score = 12).Very Strong: ClinVar classifies this variant as Pathogenic, 3 starsStrong: LOVD classifies this variant as Pathogenic (PP5).

Department of Human Genetics, Hannover Medical School
Classification: Pathogenic for Breast-ovarian cancer, familial, susceptibility to, 2. Last evaluated: 2024-07-02. Review status: criteria provided, single submitter. Criteria: ACMG Guidelines, 2015. Collection method: clinical testing. Allele origin: germline. Inheritance: Autosomal dominant inheritance. Affected: yes. Not counted in ClinVar's aggregate classification.

Department of Clinical Genetics, Copenhagen University Hospital, Rigshospitalet
Classification: Pathogenic for Breast-ovarian cancer, familial, susceptibility to, 2. Last evaluated: 2024-05-27. Review status: criteria provided, single submitter. Criteria: ACMG Guidelines, 2015. Collection method: clinical testing. Allele origin: germline. Affected: yes. Not counted in ClinVar's aggregate classification.
Comment: PVS1; PM5_PTC_Strong

Fulgent Genetics
Classification: Pathogenic for Familial cancer of breast; Medulloblastoma; Familial prostate cancer; Wilms tumor 1; Fanconi anemia complementation group D1; Breast-ovarian cancer, familial, susceptibility to, 2; Glioma susceptibility 3; Pancreatic cancer, susceptibility to, 2. Last evaluated: 2024-05-10. Review status: criteria provided, single submitter. Criteria: ACMG Guidelines, 2015. Collection method: clinical testing. Allele origin: germline. Not counted in ClinVar's aggregate classification.

Color Diagnostics, LLC DBA Color Health
Classification: Pathogenic for Hereditary cancer-predisposing syndrome. Last evaluated: 2024-04-18. Review status: criteria provided, single submitter. Criteria: ACMG Guidelines, 2015. Collection method: clinical testing. Allele origin: germline. Not counted in ClinVar's aggregate classification.
Comment: This variant deletes 2 nucleotides in exon 11 of the BRCA2 gene, creating a frameshift and premature translation stop signal. This variant is also known as 5950delCT, 5946delCT and 5950-5951delCT in the literature. This variant is expected to result in an absent or non-functional protein product. This variant has been reported in at least 12 individuals affected with breast and/or ovarian cancer (PMID: 8665505, 14647210, 19353265, 20683152, 21324516, 24010542, 25136594, 26026974, 27553291, 28724667, 29470806, 30287823, 33471991; Leiden Open Variation Database DB-ID BRCA2_001607) and five individuals affected with pancreatic cancer (PMID: 24963353, 25940717) or prostate cancer (PMID: 20736950, 31214711). This variant also has been reported in families suspected of being affected with hereditary breast and ovarian cancer (PMID: 8524414, 11802209, 15340362, 16234499, 25863477). This variant has been identified in 1/250888 chromosomes in the general population by the Genome Aggregation Database (gnomAD). Loss of BRCA2 function is a known mechanism of disease. Based on the available evidence, this variant is classified as Pathogenic.

Baylor Genetics
Classification: Pathogenic for Familial cancer of breast. Last evaluated: 2024-03-21. Review status: criteria provided, single submitter. Criteria: ACMG Guidelines, 2015. Collection method: clinical testing. Allele origin: unknown. Not counted in ClinVar's aggregate classification.